The following is an entry in ClinVar:

NM_020822.3(KCNT1):c.754A>T (p.Met252Leu)

Gene: KCNT1 (potassium sodium-activated channel subfamily T member 1; plus strand). Cytogenetic location: 9q34.3.
Variant type: single nucleotide variant.
Coding change: c.754A>T on transcript NM_020822.3 (MANE Select); coding-DNA position 754, A replaced by T.
Protein change: p.Met252Leu; replaces methionine 252 with leucine.
Molecular consequence: missense variant.
Genome position (GRCh38, 1-based): chr9:135,757,376, A>T. VCF-style: chr9-135757376-A-T. GRCh37 (hg19) VCF-style: chr9-138649222-A-T.
Other names: c.610A>T, p.Met204Leu (NM_001272003.2); short protein forms M252L, M204L.
Identifiers: ClinVar variation 540564 (VCV000540564.10), dbSNP rs755782470, ClinGen allele CA375497635.

ClinVar aggregate classification (germline): Uncertain significance (1 of 4 stars; one submission).

Conditions:
Autosomal dominant nocturnal frontal lobe epilepsy 5. Also called: Epilepsy, nocturnal frontal lobe, 5; KCNT1-Related Epilepsy; CILIARY DYSKINESIA, PRIMARY, 28, WITHOUT SITUS INVERSUS; CILIARY DYSKINESIA, PRIMARY, 28, WITH SITUS INVERSUS. Identifiers: Orphanet 98784, MedGen C3554306, MONDO:0014002, OMIM 615005.
Developmental and epileptic encephalopathy, 14 (DEE14). Also called: Early infantile epileptic encephalopathy 14. Identifiers: Orphanet 293181, MedGen C3554195, MONDO:0013989, OMIM 614959.

gnomAD v4.1: 1 of 1,608,094 alleles (0.000062%); highest among the groups gnomAD compares: Non-Finnish European, 0.000085%; no homozygotes.

Submission:

Labcorp Genetics (formerly Invitae), Labcorp
Classification: Uncertain significance for Autosomal dominant nocturnal frontal lobe epilepsy 5; Developmental and epileptic encephalopathy, 14. Last evaluated: 2018-07-11. Review status: criteria provided, single submitter. Criteria: Invitae Variant Classification Sherloc (09022015). Collection method: clinical testing. Allele origin: germline.
Comment: In summary, the available evidence is currently insufficient to determine the role of this variant in disease. Therefore, it has been classified as a Variant of Uncertain Significance. Algorithms developed to predict the effect of missense changes on protein structure and function (SIFT, PolyPhen-2, Align-GVGD) all suggest that this variant is likely to be tolerated, but these predictions have not been confirmed by published functional studies and their clinical significance is uncertain. This variant has not been reported in the literature in individuals with KCNT1-related disease. This variant is not present in population databases (ExAC no frequency). This sequence change replaces methionine with leucine at codon 252 of the KCNT1 protein (p.Met252Leu). The methionine residue is moderately conserved and there is a small physicochemical difference between methionine and leucine.